The following is an entry in ClinVar:

ClinVar aggregate classification (germline): Uncertain significance (1 of 4 stars; one submission).

Conditions:
Hepatic methionine adenosyltransferase deficiency. Also called: MAT I/III DEFICIENCY; Methionine adenosyltransferase deficiency; Deficiency of methionine adenosyltransferase; Isolated Persistent Hypermethioninemia. Identifiers: Orphanet 168598, MedGen C0268621, MeSH C564683, MONDO:0009607, OMIM 250850.

Allele frequency attached by ClinVar (database versions not stated): gnomAD exomes below 0.00001.
gnomAD v4.1: 3 of 1,603,606 alleles (0.00019%); highest among the groups gnomAD compares: East Asian, 0.0067%; no homozygotes.

Submission:

Labcorp Genetics (formerly Invitae), Labcorp
Classification: Uncertain significance for Hepatic methionine adenosyltransferase deficiency. Last evaluated: 2023-08-14. Review status: criteria provided, single submitter. Criteria: Invitae Variant Classification Sherloc (09022015). Collection method: clinical testing. Allele origin: germline.
Comment: In summary, the available evidence is currently insufficient to determine the role of this variant in disease. Therefore, it has been classified as a Variant of Uncertain Significance. This sequence change falls in intron 3 of the MAT1A gene. It does not directly change the encoded amino acid sequence of the MAT1A protein. This variant is not present in population databases (gnomAD no frequency). This variant has not been reported in the literature in individuals affected with MAT1A-related conditions. Algorithms developed to predict the effect of sequence changes on RNA splicing suggest that this variant may disrupt the consensus splice site.

NM_000429.3(MAT1A):c.293-10T>G

Gene: MAT1A (methionine adenosyltransferase 1A; minus strand). Cytogenetic location: 10q22.3.
Variant type: single nucleotide variant.
Coding change: c.293-10T>G on transcript NM_000429.3 (MANE Select); 10 bases into the intron before coding-DNA position 293, T replaced by G.
Molecular consequence: intron variant.
Genome position (GRCh38, 1-based): chr10:80,280,802, A>C on the plus strand (T>G on the coding strand, the complement: MAT1A is on the minus strand). VCF-style: chr10-80280802-A-C. GRCh37 (hg19) VCF-style: chr10-82040558-A-C.
Identifiers: ClinVar variation 2961247 (VCV002961247.3), dbSNP rs1194746964, ClinGen allele CA668889080.